The following is an entry in ClinVar:

ClinVar aggregate classification (germline): Uncertain significance (1 of 4 stars; one submission).

Conditions:
Hereditary spastic paraplegia 49 (HSAN9). Also called: Spastic paraplegia 49, autosomal recessive; TECPR2-Related Hereditary Sensory and Autonomic Neuropathy with Intellectual Disability; NEUROPATHY, HEREDITARY SENSORY AND AUTONOMIC, TYPE IX, WITH DEVELOPMENTAL DELAY. Identifiers: Orphanet 320385, MedGen C5190860, MONDO:0014016, OMIM 615031.

Allele frequency attached by ClinVar (database versions not stated): gnomAD exomes 0.00001; gnomAD 0.00003; ExAC 0.00005; TOPMed 0.00005.
gnomAD v4.1: 17 of 1,613,250 alleles (0.0011%); highest among the groups gnomAD compares: Admixed American, 0.01%; no homozygotes.

Submission:

Labcorp Genetics (formerly Invitae), Labcorp
Classification: Uncertain significance for Hereditary spastic paraplegia 49. Last evaluated: 2021-12-30. Review status: criteria provided, single submitter. Criteria: Invitae Variant Classification Sherloc (09022015). Collection method: clinical testing. Allele origin: germline.
Comment: This sequence change replaces glutamic acid, which is acidic and polar, with lysine, which is basic and polar, at codon 1168 of the TECPR2 protein (p.Glu1168Lys). This variant is present in population databases (rs770891850, gnomAD 0.01%). This variant has not been reported in the literature in individuals affected with TECPR2-related conditions. Algorithms developed to predict the effect of missense changes on protein structure and function (SIFT, PolyPhen-2, Align-GVGD) all suggest that this variant is likely to be tolerated. In summary, the available evidence is currently insufficient to determine the role of this variant in disease. Therefore, it has been classified as a Variant of Uncertain Significance.

NM_014844.5(TECPR2):c.3502G>A (p.Glu1168Lys)

Gene: TECPR2 (tectonin beta-propeller repeat containing 2; plus strand). Cytogenetic location: 14q32.31.
Variant type: single nucleotide variant.
Coding change: c.3502G>A on transcript NM_014844.5 (MANE Select); coding-DNA position 3502, G replaced by A.
Protein change: p.Glu1168Lys; replaces glutamic acid 1168 with lysine.
Molecular consequence: missense variant.
Genome position (GRCh38, 1-based): chr14:102,452,489, G>A. VCF-style: chr14-102452489-G-A. GRCh37 (hg19) VCF-style: chr14-102918826-G-A.
Other names: c.3502G>A, p.Glu1168Lys (NM_001172631.3); short protein forms E1168K.
Identifiers: ClinVar variation 2164689 (VCV002164689.1), dbSNP rs770891850, ClinGen allele CA7358264.